The following is an entry in ClinVar:

ClinVar aggregate classification (germline): Uncertain significance (1 of 4 stars; one submission).

Submission:

Labcorp Genetics (formerly Invitae), Labcorp
Classification: Uncertain significance. Last evaluated: 2024-08-12. Review status: criteria provided, single submitter. Criteria: Invitae Variant Classification Sherloc (09022015). Collection method: clinical testing. Allele origin: germline.
Comment: This variant, c.104_115dup, results in the insertion of 4 amino acid(s) of the NR2F1 protein (p.Gly35_Gly38dup), but otherwise preserves the integrity of the reading frame. The frequency data for this variant in the population databases is considered unreliable, as metrics indicate insufficient coverage at this position in the gnomAD database. This variant has not been reported in the literature in individuals affected with NR2F1-related conditions. In summary, the available evidence is currently insufficient to determine the role of this variant in disease. Therefore, it has been classified as a Variant of Uncertain Significance.

NM_005654.6(NR2F1):c.104_115dup (p.Gly38_Glu39insGlyGlyAlaGly)

Genes: NR2F1 (nuclear receptor subfamily 2 group F member 1; plus strand), NR2F1-AS1 (NR2F1 regulatory antisense RNA 1; minus strand). Cytogenetic location: 5q15.
Variant type: Duplication.
Coding change: c.104_115dup on transcript NM_005654.6 (MANE Select); coding-DNA positions 104 to 115, 12 bases duplicated (GCGGCGCCGGCG).
Protein change: p.Gly38_Glu39insGlyGlyAlaGly.
Genome position (GRCh38, 1-based): chr5:93,585,127-93,585,138, GCGGCGCCGGCG duplicated; duplicating any 12 consecutive bases within chr5:93,585,122-93,585,138 gives the same sequence; the c. name uses the placement nearest the transcript's 3' end. VCF-style (leftmost placement, unchanged base first): chr5-93585121-G-GCGGCGGCGGCGC. GRCh37 (hg19) VCF-style: chr5-92920827-G-GCGGCGGCGGCGC.
Identifiers: ClinVar variation 3696586 (VCV003696586.2).